The following is an entry in ClinVar:

NM_002519.3(NPAT):c.4054C>G (p.Leu1352Val)

Gene: NPAT (nuclear protein, coactivator of histone transcription; minus strand). Cytogenetic location: 11q22.3.
Variant type: single nucleotide variant.
Coding change: c.4054C>G on transcript NM_002519.3 (MANE Select); coding-DNA position 4054, C replaced by G.
Protein change: p.Leu1352Val; replaces leucine 1352 with valine.
Molecular consequence: missense variant.
Genome position (GRCh38, 1-based): chr11:108,161,032, G>C on the plus strand (C>G on the coding strand, the complement: NPAT is on the minus strand). VCF-style: chr11-108161032-G-C. GRCh37 (hg19) VCF-style: chr11-108031759-G-C.
Other names: c.4075C>G, p.Leu1359Val (NM_001321307.1); short protein forms L1352V, L1359V.
Identifiers: ClinVar variation 1737401 (VCV001737401.2), dbSNP rs2077842113, ClinGen allele CA382509473.

ClinVar aggregate classification (germline): Uncertain significance (1 of 4 stars; one submission).

Submission:

Ambry Genetics
Classification: Uncertain significance. Last evaluated: 2021-07-11. Review status: criteria provided, single submitter. Criteria: Ambry Variant Classification Scheme 2023. Collection method: clinical testing. Allele origin: germline.
Comment: The p.L1352V variant (also known as c.4054C>G), located in coding exon 17 of the NPAT gene, results from a C to G substitution at nucleotide position 4054. The leucine at codon 1352 is replaced by valine, an amino acid with highly similar properties. This amino acid position is conserved. In addition, this alteration is predicted to be tolerated by in silico analysis. Since supporting evidence is limited at this time, the clinical significance of this alteration remains unclear.